The following is an entry in ClinVar:

ClinVar aggregate classification (germline): Pathogenic (1 of 4 stars; one submission).

Submission:

GeneDx
Classification: Pathogenic. Last evaluated: 2022-05-18. Review status: criteria provided, single submitter. Criteria: GeneDx Variant Classification Process June 2021. Collection method: clinical testing. Allele origin: germline. Affected: yes.
Comment: Identified in a patient with muscular and central nervous system abnormalities (Tsang et al., 2020); Frameshift variant predicted to result in protein truncation or nonsense mediated decay in a gene for which loss of function is a known mechanism of disease; Not observed at significant frequency in large population cohorts (gnomAD); This variant is associated with the following publications: (PMID: 32907636)

NM_016628.5(WAC):c.1171dup (p.Thr391fs)

Gene: WAC (WW domain containing adaptor with coiled-coil; plus strand). Cytogenetic location: 10p12.1.
Variant type: Duplication.
Coding change: c.1171dup on transcript NM_016628.5 (MANE Select); coding-DNA position 1171, one base duplicated (A; older notation c.1171dupA).
Protein change: p.Thr391fs; shifts the reading frame from threonine 391.
Molecular consequence: frameshift variant.
Genome position (GRCh38, 1-based): chr10:28,610,704, A duplicated. VCF-style (leftmost placement, unchanged base first): chr10-28610703-T-TA. GRCh37 (hg19) VCF-style: chr10-28899632-T-TA.
Other names: c.1036dup, p.Thr346fs (NM_100264.3); c.862dup, p.Thr288fs (NM_100486.4); c.1171dupA (NM_016628.4); short protein forms T288fs, T346fs, T391fs.
Identifiers: ClinVar variation 280431 (VCV000280431.4), dbSNP rs886041640, ClinGen allele CA10603040.